The following is an entry in ClinVar:

NM_001349253.2(SCN11A):c.1141A>T (p.Ile381Phe)

Gene: SCN11A (sodium voltage-gated channel alpha subunit 11; minus strand). Cytogenetic location: 3p22.2.
Variant type: single nucleotide variant.
Coding change: c.1141A>T on transcript NM_001349253.2 (MANE Select); coding-DNA position 1141, A replaced by T.
Protein change: p.Ile381Phe; replaces isoleucine 381 with phenylalanine.
Molecular consequence: missense variant.
Genome position (GRCh38, 1-based): chr3:38,909,155, T>A on the plus strand (A>T on the coding strand, the complement: SCN11A is on the minus strand). VCF-style: chr3-38909155-T-A. GRCh37 (hg19) VCF-style: chr3-38950646-T-A.
Other names: c.1141A>T, p.Ile381Phe (NM_014139.3); short protein forms I381F.
Identifiers: ClinVar variation 1410596 (VCV001410596.8), dbSNP rs2125537150, ClinGen allele CA352168234.

ClinVar aggregate classification (germline): Uncertain significance (1 of 4 stars; one submission).

Conditions:
Hereditary sensory and autonomic neuropathy type 7. Also called: Neuropathy, hereditary sensory and autonomic, type VII; HSAN VII. Identifiers: Orphanet 391397, MedGen C3809882, MONDO:0014244, OMIM 615548.
Familial episodic pain syndrome with predominantly lower limb involvement. Also called: Episodic pain syndrome, familial, 3. Identifiers: Orphanet 391384, Orphanet 391392, MedGen C3809899, MONDO:0014247, OMIM 615552.

Submission:

Labcorp Genetics (formerly Invitae), Labcorp
Classification: Uncertain significance for Familial episodic pain syndrome with predominantly lower limb involvement; Hereditary sensory and autonomic neuropathy type 7. Last evaluated: 2020-11-07. Review status: criteria provided, single submitter. Criteria: Invitae Variant Classification Sherloc (09022015). Collection method: clinical testing. Allele origin: germline.
Comment: In summary, the available evidence is currently insufficient to determine the role of this variant in disease. Therefore, it has been classified as a Variant of Uncertain Significance. Algorithms developed to predict the effect of missense changes on protein structure and function are either unavailable or do not agree on the potential impact of this missense change (SIFT: "Deleterious"; PolyPhen-2: "Possibly Damaging"; Align-GVGD: "Class C0"). This variant has not been reported in the literature in individuals with SCN11A-related conditions. This variant is not present in population databases (ExAC no frequency). This sequence change replaces isoleucine with phenylalanine at codon 381 of the SCN11A protein (p.Ile381Phe). The isoleucine residue is weakly conserved and there is a small physicochemical difference between isoleucine and phenylalanine.